The following is an entry in ClinVar:

ClinVar aggregate classification (germline): Uncertain significance. Review status: criteria provided, multiple submitters, no conflicts (2 of 4 stars). 2 submissions from 2 submitters: Uncertain significance (2). Last evaluated 2025-05-30.

Conditions:
Hypertrophic cardiomyopathy. Also called: HYPERTROPHIC MYOCARDIOPATHY. Identifiers: Orphanet 217569, MedGen C0007194, MeSH D002312, MONDO:0005045, HP:0001639.

Submissions (2):

Labcorp Genetics (formerly Invitae), Labcorp
Classification: Uncertain significance for Hypertrophic cardiomyopathy. Last evaluated: 2025-05-30. Review status: criteria provided, single submitter. Criteria: Invitae Variant Classification Sherloc (09022015). Collection method: clinical testing. Allele origin: germline.
Comment: This sequence change replaces methionine, which is neutral and non-polar, with isoleucine, which is neutral and non-polar, at codon 127 of the TPM1 protein (p.Met127Ile). This variant is not present in population databases (gnomAD no frequency). This variant has not been reported in the literature in individuals affected with TPM1-related conditions. ClinVar contains an entry for this variant (Variation ID: 191801). An algorithm developed to predict the effect of missense changes on protein structure and function (PolyPhen-2) suggests that this variant is likely to be disruptive. In summary, the available evidence is currently insufficient to determine the role of this variant in disease. Therefore, it has been classified as a Variant of Uncertain Significance.

Biesecker Lab/Clinical Genomics Section, National Institutes of Health
Classification: Uncertain significance. Last evaluated: 2013-06-24. Review status: criteria provided, single submitter. Criteria: Ng et al. (Circ Cardiovasc Genet. 2013). Collection method: research. Allele origin: unknown. Observed: 1 variant allele. Study: ClinSeq.
Comment: The study set was not selected for affection status in relation to any cancer. Pathogenicity categories were based on literature curation. See Pubmed ID:23861362 for details.

Medical sequencing

NM_001018005.2(TPM1):c.381G>A (p.Met127Ile)

Gene: TPM1 (tropomyosin 1; plus strand). Cytogenetic location: 15q22.2.
Variant type: single nucleotide variant.
Coding change: c.381G>A on transcript NM_001018005.2 (MANE Select); coding-DNA position 381, G replaced by A.
Protein change: p.Met127Ile; replaces methionine 127 with isoleucine.
Molecular consequence: missense variant.
Genome position (GRCh38, 1-based): chr15:63,059,569, G>A. VCF-style: chr15-63059569-G-A. GRCh37 (hg19) VCF-style: chr15-63351768-G-A.
Other names: c.381G>A, p.Met127Ile (NM_000366.6, NM_001018004.2, NM_001018006.2 and 6 more transcripts); c.273G>A, p.Met91Ile (NM_001018008.2, NM_001301289.2, NM_001330344.2 and 5 more transcripts); c.507G>A, p.Met169Ile (NM_001365778.1); short protein forms M127I, M169I, M91I.
Identifiers: ClinVar variation 191801 (VCV000191801.3), dbSNP rs201211957, ClinGen allele CA018882.